The following is an entry in ClinVar:

ClinVar aggregate classification (germline): Conflicting classifications of pathogenicity. Review status: criteria provided, conflicting classifications (1 of 4 stars). 15 submissions from 15 submitters: Uncertain significance (1); Benign (1); Likely benign (10). 3 of the submissions do not count toward it. Last evaluated 2026-09-01.

Conditions:
Familial aortopathy. Identifiers: MedGen CN078214.
Familial thoracic aortic aneurysm and aortic dissection (TAAD). Also called: Thoracic aortic aneurysms and dissections. Identifiers: Orphanet 91387, MedGen C4707243, MONDO:0019625.
Aortic aneurysm, familial thoracic 4 (AAT4). Also called: AORTIC ANEURYSM/AORTIC DISSECTION AND PATENT DUCTUS ARTERIOSUS. Identifiers: MedGen C1851504, MONDO:0007568, OMIM 132900.

Allele frequency attached by ClinVar (database versions not stated): TOPMed 0.00050; gnomAD 0.00046 and 0.00038; ExAC 0.00034; gnomAD exomes 0.00037 and 0.00068; ESP Exome Variant Server 0.00038.
gnomAD v4.1: 1,052 of 1,612,518 alleles (0.065%); highest among the groups gnomAD compares: Middle Eastern, 1.4%; 2 homozygotes.

Submissions (15):

CeGaT Center for Human Genetics Tuebingen
Classification: Likely benign. Last evaluated: 2026-09-01. Review status: criteria provided, single submitter. Criteria: CeGaT Center For Human Genetics Tuebingen Variant Classification Criteria Version 2. Collection method: clinical testing. Allele origin: germline. Affected: yes. Observed: 11 variant alleles.
Comment: MYH11: BP4, BP7

Labcorp Genetics (formerly Invitae), Labcorp
Classification: Likely benign for Aortic aneurysm, familial thoracic 4. Last evaluated: 2026-02-03. Review status: criteria provided, single submitter. Criteria: Invitae Variant Classification Sherloc (09022015). Collection method: clinical testing. Allele origin: germline.

Molecular Diagnostic Laboratory for Inherited Cardiovascular Disease, Montreal Heart Institute
Classification: Likely benign. Last evaluated: 2025-04-09. Review status: criteria provided, single submitter. Criteria: ACMG Guidelines, 2015. Collection method: clinical testing. Allele origin: germline. Affected: no.

Blueprint Genetics
Classification: Likely benign. Last evaluated: 2024-11-11. Review status: criteria provided, single submitter. Criteria: ACMG Guidelines, 2015. Collection method: clinical testing. Allele origin: germline.

All of Us Research Program, National Institutes of Health
Classification: Likely benign for Familial thoracic aortic aneurysm and aortic dissection. Last evaluated: 2024-02-05. Review status: criteria provided, single submitter. Criteria: ACMG Guidelines, 2015. Collection method: clinical testing. Allele origin: germline. Inheritance: Autosomal dominant inheritance. Observed: 117 variant alleles, 117 heterozygotes.
Comment: This study involves interpretation of variants in research participants for the purpose of population health screening. Participant phenotype was not available at the time of variant classification. Additional details can be found in publication PMID: 35346344, PMCID: PMC8962531

CHEO Genetics Diagnostic Laboratory, Children's Hospital of Eastern Ontario
Classification: Likely benign for Familial thoracic aortic aneurysm and aortic dissection. Last evaluated: 2022-04-19. Review status: criteria provided, single submitter. Criteria: ACMG Guidelines, 2015. Collection method: clinical testing. Allele origin: germline.

Color Diagnostics, LLC DBA Color Health
Classification: Likely benign for Familial thoracic aortic aneurysm and aortic dissection. Last evaluated: 2018-05-08. Review status: criteria provided, single submitter. Criteria: ACMG Guidelines, 2015. Collection method: clinical testing. Allele origin: germline.

Illumina Laboratory Services, Illumina
Classification: Uncertain significance for Aortic aneurysm, familial thoracic 4. Last evaluated: 2018-01-13. Review status: criteria provided, single submitter. Criteria: ICSL Variant Classification Criteria 13 December 2019. Collection method: clinical testing. Allele origin: germline.

ARUP Laboratories, Molecular Genetics and Genomics, ARUP Laboratories
Classification: Likely benign. Last evaluated: 2017-09-25. Review status: criteria provided, single submitter. Criteria: ARUP Molecular Germline Variant Investigation Process. Collection method: clinical testing. Allele origin: germline.
Comment: The MYH11 c.3816G>A; p.Glu1272Glu variant (rs112990531), to our knowledge, is not described in the medical literature but is reported as benign or likely benign by multiple laboratories in ClinVar (Variation ID: 36620) and observed in the general population at an overall frequency of 0.03% (96/276010 alleles) in the Genome Aggregation Database. This is a synonymous variant at a nucleotide that is weakly conserved, and computational algorithms (Alamut v.2.11) predict no impact on splicing. Based on available information, this variant is considered likely benign.

Ambry Genetics
Classification: Likely benign for Familial thoracic aortic aneurysm and aortic dissection. Last evaluated: 2015-07-10. Review status: criteria provided, single submitter. Criteria: Ambry Variant Classification Scheme 2023. Collection method: clinical testing. Allele origin: germline.

GeneDx
Classification: Benign. Last evaluated: 2013-12-21. Review status: criteria provided, single submitter. Criteria: GeneDx Variant Classification (06012015). Collection method: clinical testing. Allele origin: germline. Affected: yes.
Comment: This variant is considered likely benign or benign based on one or more of the following criteria: it is a conservative change, it occurs at a poorly conserved position in the protein, it is predicted to be benign by multiple in silico algorithms, and/or has population frequency not consistent with disease.

PreventionGenetics, part of Exact Sciences
Classification: Likely benign. Review status: criteria provided, single submitter. Criteria: ACMG Guidelines, 2015. Collection method: clinical testing. Allele origin: germline.

Women's Health and Genetics/Laboratory Corporation of America, LabCorp
Classification: Benign for Familial aortopathy. Last evaluated: 2014-09-05. Review status: no assertion criteria provided. Collection method: clinical testing. Allele origin: germline. Not counted in ClinVar's aggregate classification.

Clinical Genetics DNA and cytogenetics Diagnostics Lab, Erasmus MC, Erasmus Medical Center
Classification: Likely benign. Review status: no assertion criteria provided. Collection method: clinical testing. Allele origin: germline. Affected: yes. Study: VKGL Data-share Consensus. Not counted in ClinVar's aggregate classification.

Genome Diagnostics Laboratory, University Medical Center Utrecht
Classification: Likely benign. Review status: no assertion criteria provided. Collection method: clinical testing. Allele origin: germline. Affected: yes. Study: VKGL Data-share Consensus. Not counted in ClinVar's aggregate classification.

NM_002474.3(MYH11):c.3816G>A (p.Glu1272=)

Gene: MYH11 (myosin heavy chain 11; minus strand). Cytogenetic location: 16p13.11.
Variant type: single nucleotide variant.
Coding change: c.3816G>A on transcript NM_002474.3 (MANE Select); coding-DNA position 3816, G replaced by A.
Protein change: p.Glu1272=; no amino-acid change (glutamic acid 1272 retained).
Molecular consequence: synonymous variant.
Genome position (GRCh38, 1-based): chr16:15,726,890, C>T on the plus strand (G>A on the coding strand, the complement: MYH11 is on the minus strand). VCF-style: chr16-15726890-C-T. GRCh37 (hg19) VCF-style: chr16-15820747-C-T.
Other names: p.E1272E:GAG>GAA; c.3837G>A, p.Glu1279= (NM_001040113.2, NM_001040114.2); c.3816G>A, p.Glu1272= (NM_022844.3).
Identifiers: ClinVar variation 36620 (VCV000036620.92), dbSNP rs112990531, ClinGen allele CA214160.